The following is an entry in ClinVar:

ClinVar aggregate classification (germline): Uncertain significance (1 of 4 stars; one submission).

Conditions:
3-methylglutaconic aciduria type 5. Also called: MGA, TYPE V; 3 alpha methylglutaconic aciduria type V; MGA 5; CARDIOMYOPATHY, DILATED, WITH ATAXIA. Identifiers: Orphanet 66634, MedGen C1857776, MONDO:0012435, OMIM 610198.

Allele frequency attached by ClinVar (database versions not stated): gnomAD exomes below 0.00001 and 0.00001.
gnomAD v4.1: 2 of 1,603,580 alleles (0.00012%); highest among the groups gnomAD compares: Admixed American, 0.0034%; no homozygotes.

Submission:

Labcorp Genetics (formerly Invitae), Labcorp
Classification: Uncertain significance for 3-methylglutaconic aciduria type 5. Last evaluated: 2022-10-03. Review status: criteria provided, single submitter. Criteria: Invitae Variant Classification Sherloc (09022015). Collection method: clinical testing. Allele origin: germline.
Comment: This sequence change replaces lysine, which is basic and polar, with arginine, which is basic and polar, at codon 115 of the DNAJC19 protein (p.Lys115Arg). This variant is present in population databases (no rsID available, gnomAD 0.006%). In summary, the available evidence is currently insufficient to determine the role of this variant in disease. Therefore, it has been classified as a Variant of Uncertain Significance. Algorithms developed to predict the effect of missense changes on protein structure and function output the following: SIFT: "Tolerated"; PolyPhen-2: "Benign"; Align-GVGD: "Class C0". The arginine amino acid residue is found in multiple mammalian species, which suggests that this missense change does not adversely affect protein function. ClinVar contains an entry for this variant (Variation ID: 1035808). This variant has not been reported in the literature in individuals affected with DNAJC19-related conditions.

NM_145261.4(DNAJC19):c.344A>G (p.Lys115Arg)

Gene: DNAJC19 (DnaJ heat shock protein family (Hsp40) member C19; minus strand). Cytogenetic location: 3q26.33.
Variant type: single nucleotide variant.
Coding change: c.344A>G on transcript NM_145261.4 (MANE Select); coding-DNA position 344, A replaced by G.
Protein change: p.Lys115Arg; replaces lysine 115 with arginine.
Molecular consequence: missense variant. On other transcripts: non-coding transcript variant (4).
Genome position (GRCh38, 1-based): chr3:180,984,647, T>C on the plus strand (A>G on the coding strand, the complement: DNAJC19 is on the minus strand). VCF-style: chr3-180984647-T-C. GRCh37 (hg19) VCF-style: chr3-180702435-T-C.
Other names: c.269A>G, p.Lys90Arg (NM_001190233.2); short protein forms K115R, K90R.
Identifiers: ClinVar variation 1035808 (VCV001035808.7), dbSNP rs1253268997, ClinGen allele CA355472058.
Genomic context (GRCh38, chr3:180,984,647, plus strand): 5'-TAGTACTCATATACATAAACTAATACGAACTTAAAATTCATCATACATTTACTTCATTTT[T>C]TAGCTTGACCTTCTAGTAAATCTTTAGCTTCATTGATTTTGGCTGCTATATAAGGAGATC-3'
Protein context (NP_660304.1, residues 105-116): EAKDLLEGQA[Lys115Arg]K